The following is an entry in ClinVar:

ClinVar aggregate classification (germline): Conflicting classifications of pathogenicity. Review status: criteria provided, conflicting classifications (1 of 4 stars). 3 submissions from 3 submitters: Uncertain significance (2); Likely benign (1). Last evaluated 2025-11-03.

Conditions:
3-methylglutaconic aciduria with deafness, encephalopathy, and Leigh-like syndrome (MEGDEL). Also called: SERAC1 Deficiency; MEGDEL syndrome; 3-METHYLGLUTACONIC ACIDURIA, TYPE VI. Identifiers: Orphanet 352328, MedGen C4040739, MONDO:0013875, OMIM 614739.

Allele frequency attached by ClinVar (database versions not stated): gnomAD 0.00001; ExAC 0.00002; gnomAD exomes 0.00002; TOPMed 0.00002.
gnomAD v4.1: 30 of 1,613,858 alleles (0.0019%); highest among the groups gnomAD compares: Middle Eastern, 0.016%; no homozygotes.

Submissions (3):

Labcorp Genetics (formerly Invitae), Labcorp
Classification: Uncertain significance for 3-methylglutaconic aciduria with deafness, encephalopathy, and Leigh-like syndrome. Last evaluated: 2025-11-03. Review status: criteria provided, single submitter. Criteria: Invitae Variant Classification Sherloc (09022015). Collection method: clinical testing. Allele origin: germline.
Comment: This sequence change falls in intron 13 of the SERAC1 gene. It does not directly change the encoded amino acid sequence of the SERAC1 protein. It affects a nucleotide within the consensus splice site. This variant is present in population databases (rs770722498, gnomAD 0.004%). This variant has not been reported in the literature in individuals affected with SERAC1-related conditions. ClinVar contains an entry for this variant (Variation ID: 1376916). Variants that disrupt the consensus splice site are a relatively common cause of aberrant splicing (PMID: 17576681, 9536098). Algorithms developed to predict the effect of sequence changes on RNA splicing suggest that this variant is not likely to affect RNA splicing. In summary, the available evidence is currently insufficient to determine the role of this variant in disease. Therefore, it has been classified as a Variant of Uncertain Significance.

Mayo Clinic Laboratories, Mayo Clinic
Classification: Uncertain significance. Last evaluated: 2024-10-09. Review status: criteria provided, single submitter. Criteria: ACMG Guidelines, 2015. Collection method: clinical testing. Allele origin: germline. Observed: 2 variant alleles.
Comment: BP4, PM2_supporting

Blueprint Genetics
Classification: Likely benign. Last evaluated: 2024-05-24. Review status: criteria provided, single submitter. Criteria: ACMG Guidelines, 2015. Collection method: clinical testing. Allele origin: germline.

Literature cited by the submitters: PubMed 17576681 (cited by Labcorp Genetics (formerly Invitae), Labcorp); PubMed 9536098 (cited by Labcorp Genetics (formerly Invitae), Labcorp).

NM_032861.4(SERAC1):c.1403+5C>G

Gene: SERAC1 (serine active site containing 1; minus strand). Cytogenetic location: 6q25.3.
Variant type: single nucleotide variant.
Coding change: c.1403+5C>G on transcript NM_032861.4 (MANE Select); 5 bases into the intron after coding-DNA position 1403, C replaced by G.
Molecular consequence: intron variant.
Genome position (GRCh38, 1-based): chr6:158,117,722, G>C on the plus strand (C>G on the coding strand, the complement: SERAC1 is on the minus strand). VCF-style: chr6-158117722-G-C. GRCh37 (hg19) VCF-style: chr6-158538754-G-C.
Identifiers: ClinVar variation 1376916 (VCV001376916.7), dbSNP rs770722498, ClinGen allele CA4071108.